The following is an entry in ClinVar:

NM_206933.4(USH2A):c.8125A>C (p.Thr2709Pro)

Gene: USH2A (usherin; minus strand). Cytogenetic location: 1q41.
Variant type: single nucleotide variant.
Coding change: c.8125A>C on transcript NM_206933.4 (MANE Select); coding-DNA position 8125, A replaced by C.
Protein change: p.Thr2709Pro; replaces threonine 2709 with proline.
Molecular consequence: missense variant.
Genome position (GRCh38, 1-based): chr1:215,888,524, T>G on the plus strand (A>C on the coding strand, the complement: USH2A is on the minus strand). VCF-style: chr1-215888524-T-G. GRCh37 (hg19) VCF-style: chr1-216061866-T-G.
Other names: c.8125A>C (NM_206933.2); short protein forms T2709P.
Identifiers: ClinVar variation 2153586 (VCV002153586.6), dbSNP rs753640827, ClinGen allele CA1394684.

ClinVar aggregate classification (germline): Uncertain significance. Review status: criteria provided, multiple submitters, no conflicts (2 of 4 stars). 3 submissions from 3 submitters: Uncertain significance (3). Last evaluated 2025-03-17.

Conditions:
Inborn genetic diseases. Identifiers: MedGen C0950123, MeSH D030342.

Allele frequency attached by ClinVar (database versions not stated): ExAC 0.00001; gnomAD 0.00001; gnomAD exomes 0.00001; TOPMed 0.00001.
gnomAD v4.1: 8 of 1,614,062 alleles (0.0005%); highest among the groups gnomAD compares: Non-Finnish European, 0.00068%; no homozygotes.

Submissions (3):

Ambry Genetics
Classification: Uncertain significance for Inborn genetic diseases. Last evaluated: 2025-03-17. Review status: criteria provided, single submitter. Criteria: Ambry Variant Classification Scheme 2023. Collection method: clinical testing. Allele origin: germline.

Labcorp Genetics (formerly Invitae), Labcorp
Classification: Uncertain significance. Last evaluated: 2022-07-16. Review status: criteria provided, single submitter. Criteria: Invitae Variant Classification Sherloc (09022015). Collection method: clinical testing. Allele origin: germline.
Comment: This variant is present in population databases (rs753640827, gnomAD 0.003%). This variant has not been reported in the literature in individuals affected with USH2A-related conditions. Algorithms developed to predict the effect of missense changes on protein structure and function are either unavailable or do not agree on the potential impact of this missense change (SIFT: "Deleterious"; PolyPhen-2: "Benign"; Align-GVGD: "Class C35"). In summary, the available evidence is currently insufficient to determine the role of this variant in disease. Therefore, it has been classified as a Variant of Uncertain Significance. This sequence change replaces threonine, which is neutral and polar, with proline, which is neutral and non-polar, at codon 2709 of the USH2A protein (p.Thr2709Pro).

Blueprint Genetics
Classification: Uncertain significance. Last evaluated: 2020-02-24. Review status: criteria provided, single submitter. Criteria: ACMG Guidelines, 2015. Collection method: clinical testing. Allele origin: germline.